The following is an entry in ClinVar:

ClinVar aggregate classification (germline): Uncertain significance. Review status: criteria provided, multiple submitters, no conflicts (2 of 4 stars). 2 submissions from 2 submitters: Uncertain significance (2). Last evaluated 2022-11-04.

Conditions:
Hereditary cancer-predisposing syndrome. Also called: Hereditary neoplastic syndrome; Neoplastic Syndromes, Hereditary; Tumor predisposition; Hereditary Cancer Syndrome. Identifiers: Orphanet 140162, MedGen C0027672, MeSH D009386, MONDO:0015356.
Ataxia-telangiectasia syndrome (AT). Also called: Ataxia telangiectasia (A-T); LOUIS-BAR SYNDROME; Cerebello-oculocutaneous telangiectasia; Immunodeficiency with ataxia telangiectasia; Ataxia-telangiectasia, complementation group D; AT, COMPLEMENTATION GROUP C. Identifiers: Orphanet 100, MedGen C0004135, MONDO:0008840, OMIM 208900.

Submissions (2):

Labcorp Genetics (formerly Invitae), Labcorp
Classification: Uncertain significance for Ataxia-telangiectasia syndrome. Last evaluated: 2022-11-04. Review status: criteria provided, single submitter. Criteria: Invitae Variant Classification Sherloc (09022015). Collection method: clinical testing. Allele origin: germline.
Comment: In summary, the available evidence is currently insufficient to determine the role of this variant in disease. Therefore, it has been classified as a Variant of Uncertain Significance. Algorithms developed to predict the effect of missense changes on protein structure and function are either unavailable or do not agree on the potential impact of this missense change (SIFT: "Deleterious"; PolyPhen-2: "Benign"; Align-GVGD: "Class C15"). This variant has not been reported in the literature in individuals affected with ATM-related conditions. This variant is not present in population databases (gnomAD no frequency). This sequence change replaces glycine, which is neutral and non-polar, with arginine, which is basic and polar, at codon 3029 of the ATM protein (p.Gly3029Arg).

Ambry Genetics
Classification: Uncertain significance for Hereditary cancer-predisposing syndrome. Last evaluated: 2021-08-24. Review status: criteria provided, single submitter. Criteria: Ambry Variant Classification Scheme 2023. Collection method: clinical testing. Allele origin: germline.
Comment: The p.G3029R variant (also known as c.9085G>C), located in coding exon 62 of the ATM gene, results from a G to C substitution at nucleotide position 9085. The glycine at codon 3029 is replaced by arginine, an amino acid with dissimilar properties. This amino acid position is conserved. In addition, this alteration is predicted to be tolerated by in silico analysis. Since supporting evidence is limited at this time, the clinical significance of this alteration remains unclear.

NM_000051.4(ATM):c.9085G>C (p.Gly3029Arg)

Genes: ATM (ATM serine/threonine kinase; plus strand), C11orf65 (chromosome 11 open reading frame 65; minus strand). Cytogenetic location: 11q22.3.
Variant type: single nucleotide variant.
Coding change: c.9085G>C on transcript NM_000051.4 (MANE Select); coding-DNA position 9085, G replaced by C.
Protein change: p.Gly3029Arg; replaces glycine 3029 with arginine.
Molecular consequence: missense variant. On other transcripts: intron variant (2).
Genome position (GRCh38, 1-based): chr11:108,365,422, G>C. VCF-style: chr11-108365422-G-C. GRCh37 (hg19) VCF-style: chr11-108236149-G-C.
Other names: c.9085G>C, p.Gly3029Arg (NM_001351834.2); c.640+20498C>G (NM_001330368.2); c.694+20498C>G (NM_001351110.2); short protein forms G3029R.
Identifiers: ClinVar variation 1765721 (VCV001765721.5), dbSNP rs2547685399, ClinGen allele CA382531811.